The following is an entry in ClinVar:

NM_005121.3(MED13):c.6058A>C (p.Thr2020Pro)

Gene: MED13 (mediator complex subunit 13; minus strand). Cytogenetic location: 17q23.2.
Variant type: single nucleotide variant.
Coding change: c.6058A>C on transcript NM_005121.3 (MANE Select); coding-DNA position 6058, A replaced by C.
Protein change: p.Thr2020Pro; replaces threonine 2020 with proline.
Molecular consequence: missense variant.
Genome position (GRCh38, 1-based): chr17:61,953,024, T>G on the plus strand (A>C on the coding strand, the complement: MED13 is on the minus strand). VCF-style: chr17-61953024-T-G. GRCh37 (hg19) VCF-style: chr17-60030385-T-G.
Other names: short protein forms T2020P.
Identifiers: ClinVar variation 3372499 (VCV003372499.1).

ClinVar aggregate classification (germline): Uncertain significance (1 of 4 stars; one submission).

Submission:

GeneDx
Classification: Uncertain significance. Last evaluated: 2024-04-12. Review status: criteria provided, single submitter. Criteria: GeneDx Variant Classification Process June 2021. Collection method: clinical testing. Allele origin: germline. Affected: yes.
Comment: Not observed at significant frequency in large population cohorts (gnomAD); In silico analysis indicates that this missense variant does not alter protein structure/function; Has not been previously published as pathogenic or benign to our knowledge